The following is an entry in ClinVar:

NM_144999.4(LRRC45):c.1233C>T (p.Ala411=)

Gene: LRRC45 (leucine rich repeat containing 45; plus strand). Cytogenetic location: 17q25.3.
Variant type: single nucleotide variant.
Coding change: c.1233C>T on transcript NM_144999.4 (MANE Select); coding-DNA position 1233, C replaced by T.
Protein change: p.Ala411=; no amino-acid change (alanine 411 retained).
Molecular consequence: synonymous variant.
Genome position (GRCh38, 1-based): chr17:82,028,504, C>T. VCF-style: chr17-82028504-C-T. GRCh37 (hg19) VCF-style: chr17-79986380-C-T.
Identifiers: ClinVar variation 4980563 (VCV004980563.1).

ClinVar aggregate classification (germline): Likely benign (1 of 4 stars; one submission).

Conditions:
LRRC45-related disorder. Also called: LRRC45-related condition.

gnomAD v4.1: 47 of 1,612,304 alleles (0.0029%); highest among the groups gnomAD compares: South Asian, 0.029%; 1 homozygote.

Submission:

PreventionGenetics, part of Exact Sciences
Classification: Likely benign for LRRC45-related condition. Last evaluated: 2025-06-03. Review status: criteria provided, single submitter. Criteria: ACMG Guidelines, 2015. Collection method: clinical testing. Allele origin: germline.
Comment: This variant is classified as likely benign based on ACMG/AMP sequence variant interpretation guidelines (Richards et al. 2015 PMID: 25741868, with internal and published modifications).